The following is an entry in ClinVar:

NM_006231.4(POLE):c.857C>G (p.Pro286Arg)

Gene: POLE (DNA polymerase epsilon, catalytic subunit; minus strand). Cytogenetic location: 12q24.33.
Variant type: single nucleotide variant.
Coding change: c.857C>G on transcript NM_006231.4 (MANE Select); coding-DNA position 857, C replaced by G.
Protein change: p.Pro286Arg; replaces proline 286 with arginine.
Molecular consequence: missense variant.
Genome position (GRCh38, 1-based): chr12:132,676,598, G>C on the plus strand (C>G on the coding strand, the complement: POLE is on the minus strand). VCF-style: chr12-132676598-G-C. GRCh37 (hg19) VCF-style: chr12-133253184-G-C.
Other names: short protein forms P286R.
Identifiers: ClinVar variation 376500 (VCV000376500.12), dbSNP rs1057519943, ClinGen allele CA16602932.

ClinVar aggregate classification (germline): Conflicting classifications of pathogenicity. Review status: criteria provided, conflicting classifications (1 of 4 stars). 4 submissions from 4 submitters: Likely pathogenic (1); Uncertain significance (1). 2 of the submissions do not count toward it. Last evaluated 2025-02-05.

Conditions:
Endometrioid adenocarcinoma. Identifiers: MedGen C1569637, MeSH D018269, MONDO:0005026.
Hereditary cancer-predisposing syndrome. Also called: Hereditary neoplastic syndrome; Hereditary Cancer Syndrome; Neoplastic Syndromes, Hereditary; Tumor predisposition. Identifiers: Orphanet 140162, MedGen C0027672, MeSH D009386, MONDO:0015356.
Programmed death ligand-1 (PD-L1) blocking antibody response. Also called: Anti-PDL1 response; Programmed Death Ligand-1 Blocker response. Identifiers: MedGen CN322753.

Submissions (4):

Molecular Diagnostics Laboratory, Catalan Institute of Oncology
Classification: Likely pathogenic for Hereditary cancer-predisposing syndrome. Last evaluated: 2025-02-05. Review status: criteria provided, single submitter. Criteria: Submitter's publication. Collection method: clinical testing. Allele origin: germline.
Comment: PM1, PM2_Supporting, PP4_Strong, PS3_Supporting c.857C>G is located in exon 9 of the POLE gene, is predicted to result in the substitution of proline by arginine at codon 286, p.(Pro286Arg). This variant is located at exonuclease domain in a mutation hotspot (PM1). It is not present in the population database gnomAD v2.1.1, non cancer dataset (PM2_supporting). The SpliceAI algorithm predicts no significant impact on splicing and the REVEL meta-predictor score for this variant (0.837) suggests a deleterious effect on protein function. Whole Exome Sequencing in multiple tumours (MSI and MSS) from TGCA/COSMIC database carrying this variant showed that all of them are hyper or ultramutated and have >50% of combined contribution of signature SBS10 and SBS14 (PMID: 32792570)(PP4_Strong). Functional assays performed in cell lines showed a reduced exonuclease repair function (PMID: 25228659) (PS3_Supporting).In addition, this variant has been reported in the ClinVar (1x uncertain significance, 1x risk allele, 1x drug response)) and in the LOVD database (1x pathogenic). Based on currently available information, the variant c.857C>G is classified as a likely pathogenic variant according to POLE/POLD1 Guidelines (PMID 37848928).

Labcorp Genetics (formerly Invitae), Labcorp
Classification: Uncertain significance. Last evaluated: 2017-01-12. Review status: criteria provided, single submitter. Criteria: Invitae Variant Classification Sherloc (09022015). Collection method: clinical testing. Allele origin: germline.
Comment: This sequence change replaces proline with arginine at codon 286 of the POLE protein (p.Pro286Arg). The proline residue is highly conserved and there is a moderate physicochemical difference between proline and arginine. In summary, this variant is a rare missense change that is not present in the population and has been shown to affect protein function. Although this variant has been found as a frequent somatic event in tumors, it has not been observed in the germline of affected individuals. In the absence of genetic and/or additional evidence, this variant has been classified as Variant of Uncertain Significance. This variant is located within the evolutionarily conserved exonuclease domain of the POLE protein (PMID: 23447401, 24525744). Experimental studies have shown that the P301R yeast mutant, corresponding to the p.Pro286Arg change, severely affects the fidelity rather than the proofreading function of the POLE protein, causing a strong mutator phenotype in a yeast model system (PMID: 24525744). In addition, this variant showed a reduced 3'-5' exonuclease activity compared to the wild-type protein (PMID: 25228659). This variant is not present in population databases (ExAC no frequency). This variant has not been reported in the literature in the germline of individuals with a POLE-related disease, however, it has been reported as a frequent somatic change in endometrial and colorectal cancers (PMID: 23263490, 23447401, 25224212, 24525744).

Oxford Haemato-Oncology Service, Oxford University Hospitals NHS Foundation Trust
Classification: drug response for Anti-PDL1 response. Last evaluated: 2017-11-27. Review status: no assertion criteria provided. Collection method: clinical testing. Allele origin: somatic. Affected: yes. Not counted in ClinVar's aggregate classification.

Gynecological Pathology Laboratory, Kaohsiung Medical University Chung-Ho Memorial Hospital
Classification: Established risk allele for Endometrioid adenocarcinoma. Review status: no assertion criteria provided. Collection method: clinical testing. Allele origin: somatic. Affected: yes. Observed: 1 heterozygote. Not counted in ClinVar's aggregate classification.

Literature cited by the submitters: PubMed 23447401 (cited by Labcorp Genetics (formerly Invitae), Labcorp); PubMed 24525744 (cited by Labcorp Genetics (formerly Invitae), Labcorp); PubMed 25228659 (cited by Labcorp Genetics (formerly Invitae), Labcorp); PubMed 23263490 (cited by Labcorp Genetics (formerly Invitae), Labcorp); PubMed 25224212 (cited by Labcorp Genetics (formerly Invitae), Labcorp); PubMed 24844595 (cited by Gynecological Pathology Laboratory, Kaohsiung Medical University Chung-Ho Memorial Hospital).